The following is an entry in ClinVar:

NM_001364905.1(LRBA):c.2134A>G (p.Ile712Val)

Gene: LRBA (LPS responsive beige-like anchor protein; minus strand). Cytogenetic location: 4q31.3.
Variant type: single nucleotide variant.
Coding change: c.2134A>G on transcript NM_001364905.1 (MANE Select); coding-DNA position 2134, A replaced by G.
Protein change: p.Ile712Val; replaces isoleucine 712 with valine.
Molecular consequence: missense variant.
Genome position (GRCh38, 1-based): chr4:150,893,083, T>C on the plus strand (A>G on the coding strand, the complement: LRBA is on the minus strand). VCF-style: chr4-150893083-T-C. GRCh37 (hg19) VCF-style: chr4-151814235-T-C.
Other names: c.2134A>G, p.Ile712Val (NM_001199282.3, NM_001367550.1, NM_006726.5); short protein forms I712V.
Identifiers: ClinVar variation 1944239 (VCV001944239.5), dbSNP rs2546607938, ClinGen allele CA358428874.

ClinVar aggregate classification (germline): Uncertain significance (1 of 4 stars; one submission).

Conditions:
Combined immunodeficiency due to LRBA deficiency. Also called: Common variable immunodeficiency 8, with autoimmunity. Identifiers: Orphanet 445018, MedGen C3553512, MONDO:0013863, OMIM 614700.

Allele frequency attached by ClinVar (database versions not stated): gnomAD exomes below 0.00001.
gnomAD v4.1: 3 of 1,611,988 alleles (0.00019%); highest among the groups gnomAD compares: Non-Finnish European, 0.00025%; no homozygotes.

Submission:

Labcorp Genetics (formerly Invitae), Labcorp
Classification: Uncertain significance for Combined immunodeficiency due to LRBA deficiency. Last evaluated: 2024-02-24. Review status: criteria provided, single submitter. Criteria: Invitae Variant Classification Sherloc (09022015). Collection method: clinical testing. Allele origin: germline.
Comment: This sequence change replaces isoleucine, which is neutral and non-polar, with valine, which is neutral and non-polar, at codon 712 of the LRBA protein (p.Ile712Val). This variant is not present in population databases (gnomAD no frequency). This variant has not been reported in the literature in individuals affected with LRBA-related conditions. ClinVar contains an entry for this variant (Variation ID: 1944239). Advanced modeling of protein sequence and biophysical properties (such as structural, functional, and spatial information, amino acid conservation, physicochemical variation, residue mobility, and thermodynamic stability) performed at Invitae indicates that this missense variant is not expected to disrupt LRBA protein function with a negative predictive value of 80%. In summary, the available evidence is currently insufficient to determine the role of this variant in disease. Therefore, it has been classified as a Variant of Uncertain Significance.